The following is an entry in ClinVar:

ClinVar aggregate classification (germline): Uncertain significance (1 of 4 stars; one submission).

Allele frequency attached by ClinVar (database versions not stated): TOPMed below 0.00001.
gnomAD v4.1: 1 of 1,614,222 alleles (0.000062%); no homozygotes.

Submission:

Labcorp Genetics (formerly Invitae), Labcorp
Classification: Uncertain significance. Last evaluated: 2023-11-27. Review status: criteria provided, single submitter. Criteria: Invitae Variant Classification Sherloc (09022015). Collection method: clinical testing. Allele origin: germline.
Comment: This sequence change replaces isoleucine, which is neutral and non-polar, with valine, which is neutral and non-polar, at codon 54 of the SLC36A2 protein (p.Ile54Val). This variant is not present in population databases (gnomAD no frequency). This variant has not been reported in the literature in individuals affected with SLC36A2-related conditions. An algorithm developed to predict the effect of missense changes on protein structure and function (PolyPhen-2) suggests that this variant is likely to be tolerated. In summary, the available evidence is currently insufficient to determine the role of this variant in disease. Therefore, it has been classified as a Variant of Uncertain Significance.

NM_181776.3(SLC36A2):c.160A>G (p.Ile54Val)

Genes: SLC36A1 (solute carrier family 36 member 1; plus strand), SLC36A2 (solute carrier family 36 member 2; minus strand). Cytogenetic location: 5q33.1.
Variant type: single nucleotide variant.
Coding change: c.160A>G on transcript NM_181776.3 (MANE Select); coding-DNA position 160, A replaced by G.
Protein change: p.Ile54Val; replaces isoleucine 54 with valine.
Molecular consequence: missense variant.
Genome position (GRCh38, 1-based): chr5:151,347,301, T>C on the plus strand (A>G on the coding strand, the complement: SLC36A2 is on the minus strand). VCF-style: chr5-151347301-T-C. GRCh37 (hg19) VCF-style: chr5-150726862-T-C.
Other names: short protein forms I54V.
Identifiers: ClinVar variation 2791488 (VCV002791488.3), dbSNP rs1554099364, ClinGen allele CA361821049.